The following is an entry in ClinVar:

NM_000082.4(ERCC8):c.*458T>C

Gene: ERCC8 (ERCC excision repair 8, CSA ubiquitin ligase complex subunit; minus strand). Cytogenetic location: 5q12.1.
Variant type: single nucleotide variant.
Coding change: c.*458T>C on transcript NM_000082.4 (MANE Select); 458 bases downstream of the stop codon, T replaced by C.
Molecular consequence: 3 prime UTR variant.
Genome position (GRCh38, 1-based): chr5:60,874,157, A>G on the plus strand (T>C on the coding strand, the complement: ERCC8 is on the minus strand). VCF-style: chr5-60874157-A-G. GRCh37 (hg19) VCF-style: chr5-60169984-A-G.
Other names: c.*458T>C (NM_001007233.3, NM_001290285.2).
Identifiers: ClinVar variation 906686 (VCV000906686.5), dbSNP rs4647156, ClinGen allele CA12163083.

ClinVar aggregate classification (germline): Benign. Review status: criteria provided, multiple submitters, no conflicts (2 of 4 stars). 2 submissions from 2 submitters: Benign (2). Last evaluated 2018-01-13.

Conditions:
Cockayne syndrome type 1. Also called: Cockayne syndrome type I; Cockayne syndrome classical; Cockayne syndrome classic form. Identifiers: Orphanet 191, Orphanet 90321, MedGen C0751039, MONDO:0019569, OMIM 216400.

Allele frequency attached by ClinVar (database versions not stated): 1000 Genomes Project 30x 0.00656; 1000 Genomes Project 0.00739; TOPMed 0.01613; gnomAD 0.01756 and 0.01803; gnomAD exomes 0.01909.
gnomAD v4.1: 2,697 of 153,468 alleles (1.8%); highest among the groups gnomAD compares: Non-Finnish European, 2.4%; 45 homozygotes.

Submissions (2):

Illumina Laboratory Services, Illumina
Classification: Benign for Cockayne syndrome type 1. Last evaluated: 2018-01-13. Review status: criteria provided, single submitter. Criteria: ICSL Variant Classification Criteria 13 December 2019. Collection method: clinical testing. Allele origin: germline.
Comment: This variant was observed in the ICSL laboratory as part of a predisposition screen in an ostensibly healthy population. It had not been previously curated by ICSL or reported in the Human Gene Mutation Database (HGMD: prior to June 1st, 2018), and was therefore a candidate for classification through an automated scoring system. Utilizing variant allele frequency, disease prevalence and penetrance estimates, and inheritance mode, an automated score was calculated to assess if this variant is too frequent to cause the disease. Based on the score and internal cut-off values, a variant classified as benign is not then subjected to further curation. The score for this variant resulted in a classification of benign for this disease.

Breakthrough Genomics
Classification: Benign. Review status: criteria provided, single submitter. Criteria: ACMG Guidelines, 2015. Collection method: not provided. Allele origin: germline. Inheritance: Autosomal recessive inheritance. Affected: yes.